The following is an entry in ClinVar:

NM_000051.4(ATM):c.5919-2A>G

Genes: ATM (ATM serine/threonine kinase; plus strand), C11orf65 (chromosome 11 open reading frame 65; minus strand). Cytogenetic location: 11q22.3.
Variant type: single nucleotide variant.
Coding change: c.5919-2A>G on transcript NM_000051.4 (MANE Select); the canonical splice acceptor site of the intron before coding-DNA position 5919, A replaced by G.
Molecular consequence: splice acceptor variant. On other transcripts: intron variant (2).
Genome position (GRCh38, 1-based): chr11:108,312,409, A>G. VCF-style: chr11-108312409-A-G. GRCh37 (hg19) VCF-style: chr11-108183136-A-G.
Other names: c.5919-2A>G (NM_001351834.2); c.641-3338T>C (NM_001330368.2); c.*39-3338T>C (NM_001351110.2).
Identifiers: ClinVar variation 229908 (VCV000229908.54), dbSNP rs746623393, ClinGen allele CA6265805.

ClinVar aggregate classification (germline): Likely pathogenic. Review status: criteria provided, multiple submitters, no conflicts (2 of 4 stars). 7 submissions from 7 submitters: Likely pathogenic (6). 1 of the submissions does not count toward it. Last evaluated 2026-01-21.

Conditions:
Hereditary cancer-predisposing syndrome. Also called: Neoplastic Syndromes, Hereditary; Hereditary neoplastic syndrome; Tumor predisposition; Hereditary Cancer Syndrome. Identifiers: Orphanet 140162, MedGen C0027672, MeSH D009386, MONDO:0015356.
Familial cancer of breast. Also called: hereditary breast carcinoma; Hereditary breast cancer; BREAST CANCER, FAMILIAL. Identifiers: Orphanet 227535, MedGen C0346153, MONDO:0016419, OMIM 114480. Disease mechanism: loss of function.
Ataxia-telangiectasia syndrome (AT). Also called: Ataxia telangiectasia (A-T); Cerebello-oculocutaneous telangiectasia; Immunodeficiency with ataxia telangiectasia; LOUIS-BAR SYNDROME; AT, COMPLEMENTATION GROUP C; ATAXIA-TELANGIECTASIA, FRESNO VARIANT. Identifiers: Orphanet 100, MedGen C0004135, MONDO:0008840, OMIM 208900.

Allele frequency attached by ClinVar (database versions not stated): ExAC 0.00001; gnomAD exomes below 0.00001.
gnomAD v4.1: 1 of 1,580,068 alleles (0.000063%); highest among the groups gnomAD compares: Admixed American, 0.0017%; no homozygotes.

Submissions (7):

Natera, Inc.
Classification: Likely pathogenic for Ataxia-telangiectasia. Last evaluated: 2026-01-21. Review status: criteria provided, single submitter. Criteria: Natera Variant Classification Schema (03/2026). Collection method: clinical testing. Allele origin: germline.
Comment: The c.5919-2A>G variant in ATM is a canonical splice acceptor site variant predicted to affect pre-mRNA splicing, which may result in an abnormal transcript and altered protein product. This variant is expected to result in nonsense mediated decay, truncation, or a dysfunctional protein product. This variant is rare in the general population with a frequency below the threshold expected for the associated phenotype(s). Given the available evidence, this variant is classified as Likely Pathogenic.

Myriad Genetics, Inc.
Classification: Likely pathogenic for Familial cancer of breast. Last evaluated: 2024-01-26. Review status: criteria provided, single submitter. Criteria: Myriad Autosomal Dominant, Autosomal Recessive and X-Linked Classification Criteria (2023). Collection method: clinical testing. Allele origin: unknown.
Comment: This variant is considered likely pathogenic. This variant occurs within a consensus splice junction and is predicted to result in abnormal mRNA splicing of either an out-of-frame exon or an in-frame exon necessary for protein stability and/or normal function.

Baylor Genetics
Classification: Likely pathogenic for Familial cancer of breast. Last evaluated: 2023-02-13. Review status: criteria provided, single submitter. Criteria: ACMG Guidelines, 2015. Collection method: clinical testing. Allele origin: unknown.

Labcorp Genetics (formerly Invitae), Labcorp
Classification: Likely pathogenic for Ataxia-telangiectasia syndrome. Last evaluated: 2021-01-15. Review status: criteria provided, single submitter. Criteria: Invitae Variant Classification Sherloc (09022015). Collection method: clinical testing. Allele origin: germline.
Comment: In summary, the currently available evidence indicates that the variant is pathogenic, but additional data are needed to prove that conclusively. Therefore, this variant has been classified as Likely Pathogenic. Donor and acceptor splice site variants typically lead to a loss of protein function (PMID: 16199547), and loss-of-function variants in ATM are known to be pathogenic (PMID: 23807571, 25614872). Algorithms developed to predict the effect of sequence changes on RNA splicing suggest that this variant may disrupt the consensus splice site, but this prediction has not been confirmed by published transcriptional studies. This variant has not been reported in the literature in individuals with ATM-related conditions. ClinVar contains an entry for this variant (Variation ID: 229908). This variant is present in population databases (rs746623393, ExAC 0.009%). This sequence change affects an acceptor splice site in intron 39 of the ATM gene. It is expected to disrupt RNA splicing and likely results in an absent or disrupted protein product.

Ambry Genetics
Classification: Likely pathogenic for Hereditary cancer-predisposing syndrome. Last evaluated: 2018-06-04. Review status: criteria provided, single submitter. Criteria: Ambry Variant Classification Scheme 2023. Collection method: clinical testing. Allele origin: germline.
Comment: The c.5919-2A>G intronic variant results from an A to G substitution two nucleotides upstream from coding exon 39 in the ATM gene. This nucleotide position is highly conserved in available vertebrate species. The BDGP splice prediction software does not produce a reliable prediction for the nearby native splice acceptor site, while the ESEfinder splice prediction software predicts that this alteration will abolish the native splice acceptor site; however, direct evidence is unavailable. Alterations that disrupt the canonical splice site are expected to cause aberrant splicing, resulting in an abnormal protein or a transcript that is subject to nonsense-mediated mRNA decay. As such, this alteration is classified as likely pathogenic.

Juno Genomics, Hangzhou Juno Genomics, Inc
Classification: Likely pathogenic for Familial cancer of breast; Ataxia-telangiectasia syndrome. Review status: criteria provided, single submitter. Criteria: ACMG Guidelines, 2015. Collection method: clinical testing. Allele origin: germline.
Comment: Absent from controls (or at extremely low frequency if recessive) in Genome Aggregation Database.;Null variant in a gene where loss of function (LOF) is a known mechanism of disease.

Counsyl
Classification: Likely pathogenic for Ataxia-telangiectasia syndrome. Last evaluated: 2017-03-22. Review status: no assertion criteria provided. Collection method: clinical testing. Allele origin: unknown. Not counted in ClinVar's aggregate classification.

Literature cited by the submitters: PubMed 16199547 (cited by Labcorp Genetics (formerly Invitae), Labcorp); PubMed 23807571 (cited by Labcorp Genetics (formerly Invitae), Labcorp); PubMed 25614872 (cited by Labcorp Genetics (formerly Invitae), Labcorp).